The following is an entry in ClinVar:

NM_020822.3(KCNT1):c.2223C>T (p.Asp741=)

Gene: KCNT1 (potassium sodium-activated channel subfamily T member 1; plus strand). Cytogenetic location: 9q34.3.
Variant type: single nucleotide variant.
Coding change: c.2223C>T on transcript NM_020822.3 (MANE Select); coding-DNA position 2223, C replaced by T.
Protein change: p.Asp741=; no amino-acid change (aspartic acid 741 retained).
Molecular consequence: synonymous variant.
Genome position (GRCh38, 1-based): chr9:135,772,929, C>T. VCF-style: chr9-135772929-C-T. GRCh37 (hg19) VCF-style: chr9-138664775-C-T.
Other names: c.2088C>T, p.Asp696= (NM_001272003.2).
Identifiers: ClinVar variation 425468 (VCV000425468.55), dbSNP rs144118960, ClinGen allele CA5327215.

ClinVar aggregate classification (germline): Conflicting classifications of pathogenicity. Review status: criteria provided, conflicting classifications (1 of 4 stars). 5 submissions from 5 submitters: Uncertain significance (1); Likely benign (4). Last evaluated 2025-07-28.

Conditions:
Inborn genetic diseases. Identifiers: MedGen C0950123, MeSH D030342.
Developmental and epileptic encephalopathy, 14 (DEE14). Also called: Early infantile epileptic encephalopathy 14. Identifiers: Orphanet 293181, MedGen C3554195, MONDO:0013989, OMIM 614959.
Autosomal dominant nocturnal frontal lobe epilepsy 5. Also called: KCNT1-Related Epilepsy; CILIARY DYSKINESIA, PRIMARY, 28, WITH SITUS INVERSUS; CILIARY DYSKINESIA, PRIMARY, 28, WITHOUT SITUS INVERSUS; Epilepsy, nocturnal frontal lobe, 5. Identifiers: Orphanet 98784, MedGen C3554306, MONDO:0014002, OMIM 615005.

Allele frequency attached by ClinVar (database versions not stated): ExAC below 0.00001; gnomAD exomes 0.00002; gnomAD 0.00004 and 0.00005; TOPMed 0.00007; ESP Exome Variant Server 0.00015.
gnomAD v4.1: 62 of 1,515,894 alleles (0.0041%); highest among the groups gnomAD compares: East Asian, 0.0049%; no homozygotes.

Submissions (5):

Labcorp Genetics (formerly Invitae), Labcorp
Classification: Likely benign for Autosomal dominant nocturnal frontal lobe epilepsy 5; Developmental and epileptic encephalopathy, 14. Last evaluated: 2025-07-28. Review status: criteria provided, single submitter. Criteria: Invitae Variant Classification Sherloc (09022015). Collection method: clinical testing. Allele origin: germline.

Blueprint Genetics
Classification: Likely benign. Last evaluated: 2024-11-19. Review status: criteria provided, single submitter. Criteria: ACMG Guidelines, 2015. Collection method: clinical testing. Allele origin: germline.

GeneDx
Classification: Likely benign. Last evaluated: 2017-11-15. Review status: criteria provided, single submitter. Criteria: GeneDx Variant Classification (06012015). Collection method: clinical testing. Allele origin: germline. Affected: yes.
Comment: This variant is considered likely benign or benign based on one or more of the following criteria: it is a conservative change, it occurs at a poorly conserved position in the protein, it is predicted to be benign by multiple in silico algorithms, and/or has population frequency not consistent with disease.

CeGaT Center for Human Genetics Tuebingen
Classification: Uncertain significance. Last evaluated: 2017-01-01. Review status: criteria provided, single submitter. Criteria: CeGaT Center For Human Genetics Tuebingen Variant Classification Criteria Version 2. Collection method: clinical testing. Allele origin: germline. Affected: yes. Observed: 2 variant alleles.

Ambry Genetics
Classification: Likely benign for Inborn genetic diseases. Last evaluated: 2016-10-11. Review status: criteria provided, single submitter. Criteria: Ambry Variant Classification Scheme 2023. Collection method: clinical testing. Allele origin: germline.